The following is an entry in ClinVar:

ClinVar aggregate classification (germline): Likely benign (1 of 4 stars; one submission).

Conditions:
Nephronophthisis 7 (NPHP7). Identifiers: Orphanet 655, MedGen C1969092, MONDO:0012680, OMIM 611498.

Allele frequency attached by ClinVar (database versions not stated): gnomAD 0.00042 and 0.00056; TOPMed 0.00063; 1000 Genomes Project 30x 0.00250; 1000 Genomes Project 0.00300.
gnomAD v4.1: 447 of 1,535,532 alleles (0.029%); highest among the groups gnomAD compares: East Asian, 0.51%; 3 homozygotes.

Submission:

Illumina Laboratory Services, Illumina
Classification: Likely benign for Nephronophthisis 7. Last evaluated: 2018-01-13. Review status: criteria provided, single submitter. Criteria: ICSL Variant Classification Criteria 13 December 2019. Collection method: clinical testing. Allele origin: germline.
Comment: This variant was observed in the ICSL laboratory as part of a predisposition screen in an ostensibly healthy population. It had not been previously curated by ICSL or reported in the Human Gene Mutation Database (HGMD: prior to June 1st, 2018), and was therefore a candidate for classification through an automated scoring system. Utilizing variant allele frequency, disease prevalence and penetrance estimates, and inheritance mode, an automated score was calculated to assess if this variant is too frequent to cause the disease. Based on the score and internal cut-off values, a variant classified as likely benign is not then subjected to further curation. The score for this variant resulted in a classification of likely benign for this disease.

NM_032575.3(GLIS2):c.*54C>T

Gene: GLIS2 (GLIS family zinc finger 2; plus strand). Cytogenetic location: 16p13.3.
Variant type: single nucleotide variant.
Coding change: c.*54C>T on transcript NM_032575.3 (MANE Select); 54 bases downstream of the stop codon, C replaced by T.
Molecular consequence: 3 prime UTR variant.
Genome position (GRCh38, 1-based): chr16:4,337,578, C>T. VCF-style: chr16-4337578-C-T. GRCh37 (hg19) VCF-style: chr16-4387579-C-T.
Other names: c.*54C>T (NM_001318918.2).
Identifiers: ClinVar variation 319231 (VCV000319231.5), dbSNP rs368483996, ClinGen allele CA10643619.